The following is an entry in ClinVar:

NM_000057.4(BLM):c.3179A>T (p.Asp1060Val)

Gene: BLM (BLM RecQ like helicase; plus strand). Cytogenetic location: 15q26.1.
Variant type: single nucleotide variant.
Coding change: c.3179A>T on transcript NM_000057.4 (MANE Select); coding-DNA position 3179, A replaced by T.
Protein change: p.Asp1060Val; replaces aspartic acid 1060 with valine.
Molecular consequence: missense variant.
Genome position (GRCh38, 1-based): chr15:90,794,326, A>T. VCF-style: chr15-90794326-A-T. GRCh37 (hg19) VCF-style: chr15-91337556-A-T.
Other names: c.3179A>T, p.Asp1060Val (NM_001287246.2, NM_001287247.2); c.2054A>T, p.Asp685Val (NM_001287248.2); short protein forms D685V, D1060V.
Identifiers: ClinVar variation 5032864 (VCV005032864.1).

ClinVar aggregate classification (germline): Uncertain significance (1 of 4 stars; one submission).

Conditions:
Hereditary cancer-predisposing syndrome. Also called: Neoplastic Syndromes, Hereditary; Tumor predisposition; Hereditary neoplastic syndrome; Hereditary Cancer Syndrome. Identifiers: Orphanet 140162, MedGen C0027672, MeSH D009386, MONDO:0015356.

gnomAD v4.1: 1 of 1,603,046 alleles (0.000062%); no homozygotes.

Submission:

Ambry Genetics
Classification: Uncertain significance for Hereditary cancer-predisposing syndrome. Last evaluated: 2026-07-06. Review status: criteria provided, single submitter. Criteria: Ambry Variant Classification Scheme 2023. Collection method: clinical testing. Allele origin: germline.
Comment: The p.D1060V variant (also known as c.3179A>T), located in coding exon 15 of the BLM gene, results from an A to T substitution at nucleotide position 3179. The aspartic acid at codon 1060 is replaced by valine, an amino acid with highly dissimilar properties. This amino acid position is conserved. In addition, the in silico prediction for this alteration is inconclusive. Based on the available evidence, the clinical significance of this variant remains unclear.